The following is an entry in ClinVar:

ClinVar aggregate classification (germline): Uncertain significance (1 of 4 stars; one submission).

gnomAD v4.1: 1 of 1,606,580 alleles (0.000062%); no homozygotes.

Submission:

Ambry Genetics
Classification: Uncertain significance. Last evaluated: 2025-09-28. Review status: criteria provided, single submitter. Criteria: Ambry Variant Classification Scheme 2023. Collection method: clinical testing. Allele origin: germline.
Comment: The p.C866S variant (also known as c.2597G>C), located in coding exon 13 of the GEN1 gene, results from a G to C substitution at nucleotide position 2597. The cysteine at codon 866 is replaced by serine, an amino acid with dissimilar properties. This amino acid position is conserved. In addition, this alteration is predicted to be tolerated by in silico analysis. Based on the available evidence, the clinical significance of this variant remains unclear.

NM_001130009.3(GEN1):c.2597G>C (p.Cys866Ser)

Gene: GEN1 (GEN1 structure-specific endonuclease; plus strand). Cytogenetic location: 2p24.2.
Variant type: single nucleotide variant.
Coding change: c.2597G>C on transcript NM_001130009.3 (MANE Select); coding-DNA position 2597, G replaced by C.
Protein change: p.Cys866Ser; replaces cysteine 866 with serine.
Molecular consequence: missense variant.
Genome position (GRCh38, 1-based): chr2:17,781,809, G>C. VCF-style: chr2-17781809-G-C. GRCh37 (hg19) VCF-style: chr2-17963076-G-C.
Other names: c.2597G>C, p.Cys866Ser (NM_182625.5); short protein forms C866S.
Identifiers: ClinVar variation 4671453 (VCV004671453.1).